The following is an entry in ClinVar:

NM_058216.3(RAD51C):c.966-2286C>T

Gene: RAD51C (RAD51 paralog C; plus strand). Cytogenetic location: 17q22.
Variant type: single nucleotide variant.
Coding change: c.966-2286C>T on transcript NM_058216.3 (MANE Select); 2286 bases into the intron before coding-DNA position 966, C replaced by T.
Molecular consequence: intron variant.
Genome position (GRCh38, 1-based): chr17:58,730,198, C>T. VCF-style: chr17-58730198-C-T. GRCh37 (hg19) VCF-style: chr17-56807559-C-T.
Identifiers: ClinVar variation 3905688 (VCV003905688.10).

ClinVar aggregate classification (germline): Likely benign (1 of 4 stars; one submission).

Submission:

CeGaT Center for Human Genetics Tuebingen
Classification: Likely benign. Last evaluated: 2025-05-01. Review status: criteria provided, single submitter. Criteria: CeGaT Center For Human Genetics Tuebingen Variant Classification Criteria Version 2. Collection method: clinical testing. Allele origin: germline. Affected: yes. Observed: 1 variant allele.
Comment: RAD51C: BP4, BP7